The following is an entry in ClinVar:

ClinVar aggregate classification (germline): Uncertain significance. Review status: criteria provided, multiple submitters, no conflicts (2 of 4 stars). 2 submissions from 2 submitters: Uncertain significance (2). Last evaluated 2025-08-11.

Conditions:
Hypertrophic cardiomyopathy 26. Also called: Cardiomyopathy, familial hypertrophic, 26. Identifiers: Orphanet 75249, MedGen C4310749, MONDO:0014883, OMIM 617047.
Myofibrillar myopathy 5. Also called: Filaminopathy (type); FILAMINOPATHY, AUTOSOMAL DOMINANT. Identifiers: Orphanet 171445, MedGen C1836050, MONDO:0012289, OMIM 609524.
Distal myopathy with posterior leg and anterior hand involvement. Also called: WILLIAMS DISTAL MYOPATHY. Identifiers: Orphanet 63273, MedGen C3279722, MONDO:0013550, OMIM 614065.

Allele frequency attached by ClinVar (database versions not stated): gnomAD exomes below 0.00001; TOPMed 0.00001.
gnomAD v4.1: 1 of 1,612,844 alleles (0.000062%); highest among the groups gnomAD compares: Non-Finnish European, 0.000085%; no homozygotes.

Submissions (2):

Labcorp Genetics (formerly Invitae), Labcorp
Classification: Uncertain significance for Distal myopathy with posterior leg and anterior hand involvement; Myofibrillar myopathy 5; Hypertrophic cardiomyopathy 26. Last evaluated: 2025-08-11. Review status: criteria provided, single submitter. Criteria: Invitae Variant Classification Sherloc (09022015). Collection method: clinical testing. Allele origin: germline.
Comment: This sequence change replaces alanine, which is neutral and non-polar, with threonine, which is neutral and polar, at codon 2450 of the FLNC protein (p.Ala2450Thr). This variant is not present in population databases (gnomAD no frequency). This variant has not been reported in the literature in individuals affected with FLNC-related conditions. ClinVar contains an entry for this variant (Variation ID: 2939766). Invitae Evidence Modeling of protein sequence and biophysical properties (such as structural, functional, and spatial information, amino acid conservation, physicochemical variation, residue mobility, and thermodynamic stability) indicates that this missense variant is not expected to disrupt FLNC protein function with a negative predictive value of 95%. In summary, the available evidence is currently insufficient to determine the role of this variant in disease. Therefore, it has been classified as a Variant of Uncertain Significance.

Clinical Genomics Laboratory, Stanford Medicine
Classification: Uncertain significance for Myofibrillar myopathy 5; Distal myopathy with posterior leg and anterior hand involvement; Hypertrophic cardiomyopathy 26. Last evaluated: 2023-08-14. Review status: criteria provided, single submitter. Criteria: ACMG Guidelines, 2015. Collection method: clinical testing. Allele origin: germline. Observed: 1 variant allele, 1 heterozygote.
Comment: The p.Ala2450Thr variant in the FLNC gene has not been previously reported in association with disease. This variant was absent from large population databases, including the Genome Aggregation Database. The alanine at position 2450 is moderately evolutionarily conserved. Computational tools predict that the p.Ala2450Thr variant is neither deleterious nor benign; however, the accuracy of in silico algorithms is limited. These data were assessed using the ACMG/AMP variant interpretation guidelines. In summary, the significance of the p.Ala2450Thr variant is uncertain. Additional information is needed to resolve the significance of this variant. [ACMG evidence codes used: PM2]

NM_001458.5(FLNC):c.7348G>A (p.Ala2450Thr)

Genes: FLNC-AS1 (FLNC antisense RNA 1; minus strand), FLNC (filamin C; plus strand). Cytogenetic location: 7q32.1.
Variant type: single nucleotide variant.
Coding change: c.7348G>A on transcript NM_001458.5 (MANE Select); coding-DNA position 7348, G replaced by A.
Protein change: p.Ala2450Thr; replaces alanine 2450 with threonine.
Molecular consequence: missense variant.
Genome position (GRCh38, 1-based): chr7:128,856,614, G>A. VCF-style: chr7-128856614-G-A. GRCh37 (hg19) VCF-style: chr7-128496668-G-A.
Other names: c.7249G>A, p.Ala2417Thr (NM_001127487.2); short protein forms A2450T, A2417T.
Identifiers: ClinVar variation 2939766 (VCV002939766.4), dbSNP rs904345499, ClinGen allele CA166194802.